The following is an entry in ClinVar:

NM_024598.4(USB1):c.119G>A (p.Arg40Lys)

Gene: USB1 (U6 snRNA biogenesis phosphodiesterase 1; plus strand). Cytogenetic location: 16q21.
Variant type: single nucleotide variant.
Coding change: c.119G>A on transcript NM_024598.4 (MANE Select); coding-DNA position 119, G replaced by A.
Protein change: p.Arg40Lys; replaces arginine 40 with lysine.
Molecular consequence: missense variant. On other transcripts: 5 prime UTR variant (1).
Genome position (GRCh38, 1-based): chr16:58,002,499, G>A. VCF-style: chr16-58002499-G-A. GRCh37 (hg19) VCF-style: chr16-58036403-G-A.
Other names: c.119G>A, p.Arg40Lys (NM_001195302.2, NM_001204911.2, NM_001330569.2); c.-35G>A (NM_001330568.2); short protein forms R40K.
Identifiers: ClinVar variation 5031622 (VCV005031622.1).

ClinVar aggregate classification (germline): Uncertain significance (1 of 4 stars; one submission).

Conditions:
Inborn genetic diseases. Identifiers: MedGen C0950123, MeSH D030342.

gnomAD v4.1: 8 of 1,614,060 alleles (0.0005%); highest among the groups gnomAD compares: Admixed American, 0.0033%; no homozygotes.

Submission:

Ambry Genetics
Classification: Uncertain significance for Inborn genetic diseases. Last evaluated: 2026-08-18. Review status: criteria provided, single submitter. Criteria: Ambry Variant Classification Scheme 2023. Collection method: clinical testing. Allele origin: germline.
Comment: The p.R40K variant (also known as c.119G>A), located in coding exon 2 of the USB1 gene, results from a G to A substitution at nucleotide position 119. The arginine at codon 40 is replaced by lysine, an amino acid with highly similar properties. This amino acid position is conserved. In addition, this alteration is predicted to be tolerated by in silico analysis. Based on the available evidence, the clinical significance of this variant remains unclear.